The following is an entry in ClinVar:

ClinVar aggregate classification (germline): Uncertain significance (1 of 4 stars; one submission).

Conditions:
Cerebral folate transport deficiency. Also called: Cerebral folate deficiency syndrome; FOLATE RECEPTOR DEFICIENCY; FOLR1-Related Cerebral Folate Transport Deficiency; NEURODEGENERATION DUE TO CEREBRAL FOLATE TRANSPORT DEFICIENCY; Neurodegenerative syndrome due to cerebral folate transport deficiency. Identifiers: Orphanet 217382, MedGen C2751584, MONDO:0013110, OMIM 613068. Disease mechanism: loss of function.

Submission:

Labcorp Genetics (formerly Invitae), Labcorp
Classification: Uncertain significance for Cerebral folate transport deficiency. Last evaluated: 2025-02-15. Review status: criteria provided, single submitter. Criteria: Invitae Variant Classification Sherloc (09022015). Collection method: clinical testing. Allele origin: germline.
Comment: This sequence change replaces histidine, which is basic and polar, with leucine, which is neutral and non-polar, at codon 43 of the FOLR1 protein (p.His43Leu). This variant is not present in population databases (gnomAD no frequency). This variant has not been reported in the literature in individuals affected with FOLR1-related conditions. Invitae Evidence Modeling of protein sequence and biophysical properties (such as structural, functional, and spatial information, amino acid conservation, physicochemical variation, residue mobility, and thermodynamic stability) has been performed for this missense variant. However, the output from this modeling did not meet the statistical confidence thresholds required to predict the impact of this variant on FOLR1 protein function. In summary, the available evidence is currently insufficient to determine the role of this variant in disease. Therefore, it has been classified as a Variant of Uncertain Significance.

NM_016729.3(FOLR1):c.128A>T (p.His43Leu)

Genes: FOLR1 (folate receptor alpha; plus strand), FOLR1-AS1 (FOLR1 antisense RNA 1; minus strand). Cytogenetic location: 11q13.4.
Variant type: single nucleotide variant.
Coding change: c.128A>T on transcript NM_016729.3 (MANE Select); coding-DNA position 128, A replaced by T.
Protein change: p.His43Leu; replaces histidine 43 with leucine.
Molecular consequence: missense variant.
Genome position (GRCh38, 1-based): chr11:72,192,301, A>T. VCF-style: chr11-72192301-A-T. GRCh37 (hg19) VCF-style: chr11-71903345-A-T.
Other names: c.128A>T, p.His43Leu (NM_000802.3, NM_016724.3, NM_016725.3); short protein forms H43L.
Identifiers: ClinVar variation 3712280 (VCV003712280.2).